The following is an entry in ClinVar:

NM_000051.4(ATM):c.6586A>T (p.Arg2196Ter)

Genes: ATM (ATM serine/threonine kinase; plus strand), C11orf65 (chromosome 11 open reading frame 65; minus strand). Cytogenetic location: 11q22.3.
Variant type: single nucleotide variant.
Coding change: c.6586A>T on transcript NM_000051.4 (MANE Select); coding-DNA position 6586, A replaced by T.
Protein change: p.Arg2196Ter; replaces arginine 2196 with a stop codon.
Molecular consequence: nonsense. On other transcripts: intron variant (2).
Genome position (GRCh38, 1-based): chr11:108,325,323, A>T. VCF-style: chr11-108325323-A-T. GRCh37 (hg19) VCF-style: chr11-108196050-A-T.
Other names: c.6586A>T, p.Arg2196Ter (NM_001351834.2); c.641-16252T>A (NM_001330368.2); c.*38+9897T>A (NM_001351110.2); short protein forms R2196*.
Identifiers: ClinVar variation 482673 (VCV000482673.14), dbSNP rs1555119011, ClinGen allele CA382554668.

ClinVar aggregate classification (germline): Pathogenic. Review status: criteria provided, multiple submitters, no conflicts (2 of 4 stars). 4 submissions from 4 submitters: Pathogenic (3). 1 of the submissions does not count toward it. Last evaluated 2025-06-30.

Conditions:
Hereditary cancer-predisposing syndrome. Also called: Neoplastic Syndromes, Hereditary; Hereditary Cancer Syndrome; Tumor predisposition; Hereditary neoplastic syndrome. Identifiers: Orphanet 140162, MedGen C0027672, MeSH D009386, MONDO:0015356.
Familial cancer of breast. Also called: Hereditary breast cancer; BREAST CANCER, FAMILIAL; hereditary breast carcinoma. Identifiers: Orphanet 227535, MedGen C0346153, MONDO:0016419, OMIM 114480. Disease mechanism: loss of function.
Ataxia-telangiectasia syndrome (AT). Also called: LOUIS-BAR SYNDROME; Cerebello-oculocutaneous telangiectasia; Immunodeficiency with ataxia telangiectasia; Ataxia-telangiectasia, complementation group D; AT, COMPLEMENTATION GROUP C; Ataxia-telangiectasia, complementation group E. Identifiers: Orphanet 100, MedGen C0004135, MONDO:0008840, OMIM 208900.

Submissions (4):

Labcorp Genetics (formerly Invitae), Labcorp
Classification: Pathogenic for Ataxia-telangiectasia syndrome. Last evaluated: 2025-06-30. Review status: criteria provided, single submitter. Criteria: Invitae Variant Classification Sherloc (09022015). Collection method: clinical testing. Allele origin: germline.
Comment: This sequence change creates a premature translational stop signal (p.Arg2196*) in the ATM gene. It is expected to result in an absent or disrupted protein product. Loss-of-function variants in ATM are known to be pathogenic (PMID: 23807571, 25614872). This variant is not present in population databases (gnomAD no frequency). This variant has not been reported in the literature in individuals affected with ATM-related conditions. ClinVar contains an entry for this variant (Variation ID: 482673). For these reasons, this variant has been classified as Pathogenic.

Myriad Genetics, Inc.
Classification: Pathogenic for Familial cancer of breast. Last evaluated: 2024-01-30. Review status: criteria provided, single submitter. Criteria: Myriad Autosomal Dominant, Autosomal Recessive and X-Linked Classification Criteria (2023). Collection method: clinical testing. Allele origin: unknown.
Comment: This variant is considered pathogenic. This variant creates a termination codon and is predicted to result in premature protein truncation.

Ambry Genetics
Classification: Pathogenic for Hereditary cancer-predisposing syndrome. Last evaluated: 2022-07-15. Review status: criteria provided, single submitter. Criteria: Ambry Variant Classification Scheme 2023. Collection method: clinical testing. Allele origin: germline.
Comment: The p.R2196* pathogenic mutation (also known as c.6586A>T), located in coding exon 45 of the ATM gene, results from an A to T substitution at nucleotide position 6586. This changes the amino acid from an arginine to a stop codon within coding exon 45. This variant is considered to be rare based on population cohorts in the Genome Aggregation Database (gnomAD). This alteration is expected to result in loss of function by premature protein truncation or nonsense-mediated mRNA decay. As such, this alteration is interpreted as a disease-causing mutation.

Counsyl
Classification: Likely pathogenic for Ataxia-telangiectasia syndrome. Last evaluated: 2017-06-16. Review status: no assertion criteria provided. Collection method: clinical testing. Allele origin: unknown. Not counted in ClinVar's aggregate classification.

Literature cited by the submitters: PubMed 23807571 (cited by Labcorp Genetics (formerly Invitae), Labcorp); PubMed 25614872 (cited by Labcorp Genetics (formerly Invitae), Labcorp).